The following is an entry in ClinVar:

NM_007078.3(LDB3):c.280C>T (p.Pro94Ser)

Gene: LDB3 (LIM domain binding 3; plus strand). Cytogenetic location: 10q23.2.
Variant type: single nucleotide variant.
Coding change: c.280C>T on transcript NM_007078.3 (MANE Select); coding-DNA position 280, C replaced by T.
Protein change: p.Pro94Ser; replaces proline 94 with serine.
Molecular consequence: missense variant.
Genome position (GRCh38, 1-based): chr10:86,680,116, C>T. VCF-style: chr10-86680116-C-T. GRCh37 (hg19) VCF-style: chr10-88439873-C-T.
Other names: c.280C>T, p.Pro94Ser (NM_001080114.2, NM_001080115.2, NM_001080116.1 and 8 more transcripts); short protein forms P94S.
Identifiers: ClinVar variation 1796313 (VCV001796313.7), dbSNP rs565557622, ClinGen allele CA211210326.

ClinVar aggregate classification (germline): Uncertain significance. Review status: criteria provided, multiple submitters, no conflicts (2 of 4 stars). 3 submissions from 3 submitters: Uncertain significance (3). Last evaluated 2025-08-17.

Conditions:
Cardiovascular phenotype. Identifiers: MedGen CN230736.
Myofibrillar myopathy 4. Also called: Zaspopathy (type). Identifiers: Orphanet 98912, MedGen C4721886, MONDO:0012277, OMIM 609452.

Allele frequency attached by ClinVar (database versions not stated): TOPMed 0.00001.
gnomAD v4.1: 2 of 1,614,118 alleles (0.00012%); highest among the groups gnomAD compares: African/African-American, 0.0027%; no homozygotes.

Submissions (3):

Labcorp Genetics (formerly Invitae), Labcorp
Classification: Uncertain significance for Myofibrillar myopathy 4. Last evaluated: 2025-08-17. Review status: criteria provided, single submitter. Criteria: Invitae Variant Classification Sherloc (09022015). Collection method: clinical testing. Allele origin: germline.
Comment: This sequence change replaces proline, which is neutral and non-polar, with serine, which is neutral and polar, at codon 94 of the LDB3 protein (p.Pro94Ser). This variant is present in population databases (no rsID available, gnomAD 0.01%). This variant has not been reported in the literature in individuals affected with LDB3-related conditions. ClinVar contains an entry for this variant (Variation ID: 1796313). An algorithm developed to predict the effect of missense changes on protein structure and function (PolyPhen-2) suggests that this variant is likely to be disruptive. In summary, the available evidence is currently insufficient to determine the role of this variant in disease. Therefore, it has been classified as a Variant of Uncertain Significance.

Ambry Genetics
Classification: Uncertain significance for Cardiovascular phenotype. Last evaluated: 2025-07-03. Review status: criteria provided, single submitter. Criteria: Ambry Variant Classification Scheme 2023. Collection method: clinical testing. Allele origin: germline.
Comment: The p.P94S variant (also known as c.280C>T), located in coding exon 3 of the LDB3 gene, results from a C to T substitution at nucleotide position 280. The proline at codon 94 is replaced by serine, an amino acid with similar properties. This amino acid position is highly conserved in available vertebrate species. In addition, this alteration is predicted to be tolerated by in silico analysis. Since supporting evidence is limited at this time, the clinical significance of this alteration remains unclear.

GeneDx
Classification: Uncertain significance. Last evaluated: 2023-12-20. Review status: criteria provided, single submitter. Criteria: GeneDx Variant Classification Process June 2021. Collection method: clinical testing. Allele origin: germline. Affected: yes.
Comment: Has not been previously published as pathogenic or benign to our knowledge; Not observed at significant frequency in large population cohorts (gnomAD); In silico analysis supports that this missense variant has a deleterious effect on protein structure/function